The following is an entry in ClinVar:

NM_000722.4(CACNA2D1):c.655C>T (p.Pro219Ser)

Gene: CACNA2D1 (calcium voltage-gated channel auxiliary subunit alpha2delta 1; minus strand). Cytogenetic location: 7q21.11.
Variant type: single nucleotide variant.
Coding change: c.655C>T on transcript NM_000722.4 (MANE Select); coding-DNA position 655, C replaced by T.
Protein change: p.Pro219Ser; replaces proline 219 with serine.
Molecular consequence: missense variant.
Genome position (GRCh38, 1-based): chr7:82,084,772, G>A on the plus strand (C>T on the coding strand, the complement: CACNA2D1 is on the minus strand). VCF-style: chr7-82084772-G-A. GRCh37 (hg19) VCF-style: chr7-81714088-G-A.
Other names: c.655C>T, p.Pro219Ser (NM_001302890.2, NM_001366867.1); short protein forms P219S.
Identifiers: ClinVar variation 2708003 (VCV002708003.3), dbSNP rs2486412717, ClinGen allele CA368016642.

ClinVar aggregate classification (germline): Uncertain significance (1 of 4 stars; one submission).

Conditions:
Brugada syndrome. Also called: Sudden unexpected nocturnal death syndrome; Sudden Unexplained Death Syndrome; Sudden Unexplained Nocturnal Death Syndrome (SUNDS); Sudden unexplained nocturnal death syndrome. Identifiers: Orphanet 130, MedGen C1142166, MONDO:0015263.

Submission:

Labcorp Genetics (formerly Invitae), Labcorp
Classification: Uncertain significance for Brugada syndrome. Last evaluated: 2024-01-06. Review status: criteria provided, single submitter. Criteria: Invitae Variant Classification Sherloc (09022015). Collection method: clinical testing. Allele origin: germline.
Comment: This sequence change replaces proline, which is neutral and non-polar, with serine, which is neutral and polar, at codon 219 of the CACNA2D1 protein (p.Pro219Ser). This variant is not present in population databases (gnomAD no frequency). This variant has not been reported in the literature in individuals affected with CACNA2D1-related conditions. An algorithm developed to predict the effect of missense changes on protein structure and function (PolyPhen-2) suggests that this variant is likely to be disruptive. In summary, the available evidence is currently insufficient to determine the role of this variant in disease. Therefore, it has been classified as a Variant of Uncertain Significance.